The following is an entry in ClinVar:

NM_001145252.3(CFP):c.1036C>T (p.Arg346Cys)

Gene: CFP (complement factor properdin; minus strand). Cytogenetic location: Xp11.23.
Variant type: single nucleotide variant.
Coding change: c.1036C>T on transcript NM_001145252.3 (MANE Select); coding-DNA position 1036, C replaced by T.
Protein change: p.Arg346Cys; replaces arginine 346 with cysteine.
Molecular consequence: missense variant.
Genome position (GRCh38, 1-based): chrX:47,626,424, G>A on the plus strand (C>T on the coding strand, the complement: CFP is on the minus strand). VCF-style: chrX-47626424-G-A. GRCh37 (hg19) VCF-style: chrX-47485823-G-A.
Other names: c.1036C>T, p.Arg346Cys (NM_002621.2); short protein forms R346C.
Identifiers: ClinVar variation 3724229 (VCV003724229.2).

ClinVar aggregate classification (germline): Uncertain significance (1 of 4 stars; one submission).

gnomAD v4.1: 6 of 1,211,622 alleles (0.0005%); highest among the groups gnomAD compares: Middle Eastern, 0.069%; no homozygotes.

Submission:

Labcorp Genetics (formerly Invitae), Labcorp
Classification: Uncertain significance. Last evaluated: 2025-02-17. Review status: criteria provided, single submitter. Criteria: Invitae Variant Classification Sherloc (09022015). Collection method: clinical testing. Allele origin: germline.
Comment: This sequence change replaces arginine, which is basic and polar, with cysteine, which is neutral and slightly polar, at codon 346 of the CFP protein (p.Arg346Cys). This variant is not present in population databases (gnomAD no frequency). This missense change has been observed in individual(s) with alternative pathway complement deficiency and/or properdin deficiency (PMID: 10698340; internal data). This variant is also known as Arg319Cys. Invitae Evidence Modeling of protein sequence and biophysical properties (such as structural, functional, and spatial information, amino acid conservation, physicochemical variation, residue mobility, and thermodynamic stability) indicates that this missense variant is expected to disrupt CFP protein function with a positive predictive value of 80%. In summary, the available evidence is currently insufficient to determine the role of this variant in disease. Therefore, it has been classified as a Variant of Uncertain Significance.

Literature cited by the submitters: PubMed 10698340.